The following is an entry in ClinVar:

NM_030662.4(MAP2K2):c.216C>G (p.Phe72Leu)

Gene: MAP2K2 (mitogen-activated protein kinase kinase 2; minus strand). Cytogenetic location: 19p13.3.
Variant type: single nucleotide variant.
Coding change: c.216C>G on transcript NM_030662.4 (MANE Select); coding-DNA position 216, C replaced by G.
Protein change: p.Phe72Leu; replaces phenylalanine 72 with leucine.
Molecular consequence: missense variant.
Genome position (GRCh38, 1-based): chr19:4,117,506, G>C on the plus strand (C>G on the coding strand, the complement: MAP2K2 is on the minus strand). VCF-style: chr19-4117506-G-C. GRCh37 (hg19) VCF-style: chr19-4117504-G-C.
Other names: short protein forms F72L.
Identifiers: ClinVar variation 372695 (VCV000372695.1), dbSNP rs1057517929, ClinGen allele CA16043109.

ClinVar aggregate classification (germline): Uncertain significance (1 of 4 stars; one submission).

Submission:

GeneDx
Classification: Uncertain significance. Last evaluated: 2015-10-29. Review status: criteria provided, single submitter. Criteria: GeneDx Variant Classification (06012015). Collection method: clinical testing. Allele origin: germline. Affected: yes.
Comment: The F72L variant has not been published as a pathogenic variant or been reported as a benign variant to our knowledge. The F72L variant was not observed in approximately 6,500 individuals of European and African American ancestry in the NHLBI Exome Sequencing Project, indicating it is not a common benign variant in these populations. This substitution occurs at a position that is conserved across species. Nevertheless, the F72L variant is a conservative amino acid substitution, which is not likely to impact secondary protein structure as these residues share similar properties. Consequently, in silico analysis is inconsistent in its predictions as to whether or not the variant is damaging to the protein structure/function. Only one missense variant in a nearby residue (A62P) has been reported in the Human Gene Mutation Database in association with CFC (Stenson et al., 2014).Therefore, based on the currently available information, it is unclear whether this variant is a pathogenic variant or a rare benign variant.